The following is an entry in ClinVar:

ClinVar aggregate classification (germline): Likely benign. Review status: criteria provided, multiple submitters, no conflicts (2 of 4 stars). 3 submissions from 3 submitters: Likely benign (2). 1 of the submissions does not count toward it. Last evaluated 2022-12-06.

Conditions:
Townes syndrome (TBS). Also called: Townes-Brocks syndrome. Identifiers: Orphanet 857, MedGen C0265246, MeSH C536974, MONDO:0007142.
SALL1-related disorder. Also called: SALL1-related condition.

Allele frequency attached by ClinVar (database versions not stated): ExAC 0.00001; gnomAD exomes 0.00002; gnomAD 0.00006; TOPMed 0.00006; 1000 Genomes Project 30x 0.00016; 1000 Genomes Project 0.00020.
gnomAD v4.1: 31 of 1,598,550 alleles (0.0019%); highest among the groups gnomAD compares: African/African-American, 0.028%; no homozygotes.

Submissions (3):

Labcorp Genetics (formerly Invitae), Labcorp
Classification: Likely benign for Townes syndrome. Last evaluated: 2022-12-06. Review status: criteria provided, single submitter. Criteria: Invitae Variant Classification Sherloc (09022015). Collection method: clinical testing. Allele origin: germline.

Breakthrough Genomics
Classification: Likely benign. Review status: criteria provided, single submitter. Criteria: ACMG Guidelines, 2015. Collection method: not provided. Allele origin: germline. Inheritance: Autosomal dominant inheritance. Affected: yes.

PreventionGenetics, part of Exact Sciences
Classification: Likely benign for SALL1-related condition. Last evaluated: 2020-12-31. Review status: no assertion criteria provided. Collection method: clinical testing. Allele origin: germline. Not counted in ClinVar's aggregate classification.
Comment: This variant is classified as likely benign based on ACMG/AMP sequence variant interpretation guidelines (Richards et al. 2015 PMID: 25741868, with internal and published modifications).

NM_002968.3(SALL1):c.63C>T (p.Leu21=)

Gene: SALL1 (spalt like transcription factor 1; minus strand). Cytogenetic location: 16q12.1.
Variant type: single nucleotide variant.
Coding change: c.63C>T on transcript NM_002968.3 (MANE Select); coding-DNA position 63, C replaced by T.
Protein change: p.Leu21=; no amino-acid change (leucine 21 retained).
Molecular consequence: synonymous variant.
Genome position (GRCh38, 1-based): chr16:51,151,179, G>A on the plus strand (C>T on the coding strand, the complement: SALL1 is on the minus strand). VCF-style: chr16-51151179-G-A. GRCh37 (hg19) VCF-style: chr16-51185090-G-A.
Other names: c.63C>T (NM_002968.2).
Identifiers: ClinVar variation 1598519 (VCV001598519.11), dbSNP rs536125319, ClinGen allele CA8053593.